The following is an entry in ClinVar:

ClinVar aggregate classification (germline): Conflicting classifications of pathogenicity. Review status: criteria provided, conflicting classifications (1 of 4 stars). 2 submissions from 2 submitters: Likely pathogenic (1); Uncertain significance (1). Last evaluated 2025-09-26.

Conditions:
Developmental and epileptic encephalopathy, 53. Also called: Epileptic encephalopathy, early infantile, 53. Identifiers: MedGen C4479313, MONDO:0033362, OMIM 617389.
Early-onset Parkinson disease 20. Also called: PARKINSON DISEASE 20, AUTOSOMAL RECESSIVE EARLY-ONSET. Identifiers: Orphanet 391411, MedGen C3809824, MONDO:0014233, OMIM 615530.

Allele frequency attached by ClinVar (database versions not stated): gnomAD exomes 0.00001.
gnomAD v4.1: 9 of 1,613,968 alleles (0.00056%); highest among the groups gnomAD compares: South Asian, 0.0033%; no homozygotes.

Submissions (2):

3billion
Classification: Likely pathogenic for Developmental and epileptic encephalopathy, 53. Last evaluated: 2025-09-26. Review status: criteria provided, single submitter. Criteria: ACMG Guidelines, 2015. Collection method: clinical testing. Allele origin: germline. Affected: yes.
Comment: The variant is observed at an extremely low frequency in the gnomAD v4.1.0 dataset (total allele frequency: <0.001%). Predicted Consequence/Location: Missense variant. The majority of the known disease-causing variants of this gene are variants expected to result in premature termination of the protein. In silico tool predictions suggest damaging effect of the variant on gene or gene product [REVEL: 0.84 (>=0.6, sensitivity 0.68 and specificity 0.92)]. The same nucleotide change resulting in the same amino acid change has been previously reported to be associated with SYNJ1-related disorder (PMID: 39669259). A different missense change at the same codon (p.Arg219Gln) has been reported as pathogenic/likely pathogenic with strong evidence (ClinVar ID: VCV000088844 /PMID: 23804563). Therefore, this variant is classified as Likely pathogenic according to the recommendation of ACMG/AMP guideline.

Labcorp Genetics (formerly Invitae), Labcorp
Classification: Uncertain significance for Developmental and epileptic encephalopathy, 53; Early-onset Parkinson disease 20. Last evaluated: 2022-02-02. Review status: criteria provided, single submitter. Criteria: Invitae Variant Classification Sherloc (09022015). Collection method: clinical testing. Allele origin: germline.
Comment: In summary, the available evidence is currently insufficient to determine the role of this variant in disease. Therefore, it has been classified as a Variant of Uncertain Significance. This variant disrupts the p.Arg258 amino acid residue in SYNJ1. Other variant(s) that disrupt this residue have been determined to be pathogenic (PMID: 23804563, 23804577, 24816432). This suggests that this residue is clinically significant, and that variants that disrupt this residue are likely to be disease-causing. Algorithms developed to predict the effect of missense changes on protein structure and function are either unavailable or do not agree on the potential impact of this missense change (SIFT: "Deleterious"; PolyPhen-2: "Benign"; Align-GVGD: "Class C25"). This missense change has been observed in individual(s) with clinical features of SYNJ1-related conditions (Invitae). This variant is present in population databases (no rsID available, gnomAD 0.006%). This sequence change replaces arginine, which is basic and polar, with tryptophan, which is neutral and slightly polar, at codon 258 of the SYNJ1 protein (p.Arg258Trp).

Literature cited by the submitters: PubMed 39669259 (cited by 3billion); PubMed 23804563 (cited by 3billion and Labcorp Genetics (formerly Invitae), Labcorp); PubMed 23804577 (cited by Labcorp Genetics (formerly Invitae), Labcorp); PubMed 24816432 (cited by Labcorp Genetics (formerly Invitae), Labcorp).

NM_203446.3(SYNJ1):c.655C>T (p.Arg219Trp)

Gene: SYNJ1 (synaptojanin 1; minus strand). Cytogenetic location: 21q22.11.
Variant type: single nucleotide variant.
Coding change: c.655C>T on transcript NM_203446.3 (MANE Select); coding-DNA position 655, C replaced by T.
Protein change: p.Arg219Trp; replaces arginine 219 with tryptophan.
Molecular consequence: missense variant.
Genome position (GRCh38, 1-based): chr21:32,695,107, G>A on the plus strand (C>T on the coding strand, the complement: SYNJ1 is on the minus strand). VCF-style: chr21-32695107-G-A. GRCh37 (hg19) VCF-style: chr21-34067417-G-A.
Other names: c.655C>T, p.Arg219Trp (NM_001160302.2, NM_001160306.2); c.772C>T, p.Arg258Trp (NM_003895.4); short protein forms R219W, R258W.
Identifiers: ClinVar variation 2050689 (VCV002050689.3), dbSNP rs1447922426, ClinGen allele CA410098119.
Genomic context (GRCh38, chr21:32,695,107, plus strand): 5'-CTATATATACCTGTTCTGTTTCTACAAAATTGGCAACATGACCATCATCATTTGTTCCCC[G>A]GACATTAAACCTGGTCCCAGCTCGTTCACAGCTTAATCTTGAAATGAGGCAAGCCTTCGC-3'
Protein context (NP_982271.3, residues 209-229): CERAGTRFNV[Arg219Trp]GTNDDGHVAN